The following is an entry in ClinVar:

ClinVar aggregate classification (germline): Uncertain significance. Review status: criteria provided, multiple submitters, no conflicts (2 of 4 stars). 2 submissions from 2 submitters: Uncertain significance (2). Last evaluated 2024-02-25.

Conditions:
Bifunctional peroxisomal enzyme deficiency (DBIF). Also called: DBP DEFICIENCY; PBFE DEFICIENCY; D-bifunctional protein deficiency. Identifiers: Orphanet 300, MedGen C0342870, MONDO:0009855, OMIM 261515. Disease mechanism: loss of function.
Perrault syndrome. Also called: Gonadal dysgenesis with auditory dysfunction, autosomal recessive inheritance. Identifiers: Orphanet 2855, MedGen C0685838, MONDO:0017312.

Allele frequency attached by ClinVar (database versions not stated): TOPMed below 0.00001; gnomAD 0.00001; gnomAD exomes 0.00001.
gnomAD v4.1: 15 of 1,612,520 alleles (0.00093%); highest among the groups gnomAD compares: Middle Eastern, 0.05%; no homozygotes.

Submissions (2):

Labcorp Genetics (formerly Invitae), Labcorp
Classification: Uncertain significance for Perrault syndrome; Bifunctional peroxisomal enzyme deficiency. Last evaluated: 2024-02-25. Review status: criteria provided, single submitter. Criteria: Invitae Variant Classification Sherloc (09022015). Collection method: clinical testing. Allele origin: germline.
Comment: This sequence change replaces isoleucine, which is neutral and non-polar, with threonine, which is neutral and polar, at codon 394 of the HSD17B4 protein (p.Ile394Thr). This variant is not present in population databases (gnomAD no frequency). This variant has not been reported in the literature in individuals affected with HSD17B4-related conditions. ClinVar contains an entry for this variant (Variation ID: 2077658). Advanced modeling of protein sequence and biophysical properties (such as structural, functional, and spatial information, amino acid conservation, physicochemical variation, residue mobility, and thermodynamic stability) has been performed at Invitae for this missense variant, however the output from this modeling did not meet the statistical confidence thresholds required to predict the impact of this variant on HSD17B4 protein function. In summary, the available evidence is currently insufficient to determine the role of this variant in disease. Therefore, it has been classified as a Variant of Uncertain Significance.

Blueprint Genetics
Classification: Uncertain significance. Last evaluated: 2020-11-05. Review status: criteria provided, single submitter. Criteria: ACMG Guidelines, 2015. Collection method: clinical testing. Allele origin: germline.

NM_000414.4(HSD17B4):c.1181T>C (p.Ile394Thr)

Gene: HSD17B4 (hydroxysteroid 17-beta dehydrogenase 4; plus strand). Cytogenetic location: 5q23.1.
Variant type: single nucleotide variant.
Coding change: c.1181T>C on transcript NM_000414.4 (MANE Select); coding-DNA position 1181, T replaced by C.
Protein change: p.Ile394Thr; replaces isoleucine 394 with threonine.
Molecular consequence: missense variant. On other transcripts: non-coding transcript variant (2).
Genome position (GRCh38, 1-based): chr5:119,499,525, T>C. VCF-style: chr5-119499525-T-C. GRCh37 (hg19) VCF-style: chr5-118835220-T-C.
Other names: c.1256T>C, p.Ile419Thr (NM_001199291.3); c.1127T>C, p.Ile376Thr (NM_001199292.2); c.1109T>C, p.Ile370Thr (NM_001292027.2); c.761T>C, p.Ile254Thr (NM_001292028.2); c.1172T>C, p.Ile391Thr (NM_001374497.1); c.1181T>C, p.Ile394Thr (NM_001374498.1); c.854T>C, p.Ile285Thr (NM_001374499.1); c.740T>C, p.Ile247Thr (NM_001374500.1); and 1 more; short protein forms I391T, I257T, I370T, I394T, I419T, I254T, I376T, I247T.
Identifiers: ClinVar variation 2077658 (VCV002077658.4), dbSNP rs371801135, ClinGen allele CA125882917.